The following is an entry in ClinVar:

ClinVar aggregate classification (germline): Pathogenic (1 of 4 stars; one submission).

Submission:

Labcorp Genetics (formerly Invitae), Labcorp
Classification: Pathogenic. Last evaluated: 2024-03-10. Review status: criteria provided, single submitter. Criteria: Invitae Variant Classification Sherloc (09022015). Collection method: clinical testing. Allele origin: germline.
Comment: This sequence change creates a premature translational stop signal (p.Ile112Trpfs*7) in the NDUFAF5 gene. It is expected to result in an absent or disrupted protein product. Loss-of-function variants in NDUFAF5 are known to be pathogenic (PMID: 26275793, 30473481, 32918965). This variant is not present in population databases (gnomAD no frequency). This variant has not been reported in the literature in individuals affected with NDUFAF5-related conditions. For these reasons, this variant has been classified as Pathogenic.

Literature cited by the submitters: PubMed 26275793; PubMed 30473481; PubMed 32918965.

NM_024120.5(NDUFAF5):c.334_335del (p.Ile112fs)

Gene: NDUFAF5 (NADH:ubiquinone oxidoreductase complex assembly factor 5; plus strand). Cytogenetic location: 20p12.1.
Variant type: Deletion.
Coding change: c.334_335del on transcript NM_024120.5 (MANE Select); coding-DNA positions 334 to 335, 2 bases deleted (AT; older notation c.334_335delAT).
Protein change: p.Ile112fs; shifts the reading frame from isoleucine 112.
Molecular consequence: frameshift variant. On other transcripts: 5 prime UTR variant (3), non-coding transcript variant (7).
Genome position (GRCh38, 1-based): chr20:13,793,186-13,793,187, AT deleted; deleting any 2 consecutive bases within chr20:13,793,185-13,793,187 gives the same sequence; the c. name uses the placement nearest the transcript's 3' end. VCF-style (leftmost placement, unchanged base first): chr20-13793184-CTA-C. GRCh37 (hg19) VCF-style: chr20-13773830-CTA-C.
Other names: c.354_355del, p.Leu119fs (NM_001039375.3); c.-34_-33del (NM_001352403.2); c.-228_-227del (NM_001352406.2, NM_001352407.2); c.334_335del, p.Ile112fs (NM_001352408.2); short protein forms L119fs, I112fs.
Identifiers: ClinVar variation 3645296 (VCV003645296.2).